The following is an entry in ClinVar:

ClinVar aggregate classification (germline): Benign/Likely benign. Review status: criteria provided, multiple submitters, no conflicts (2 of 4 stars). 19 submissions from 18 submitters: Benign (12); Likely benign (4). 3 of the submissions do not count toward it. Last evaluated 2026-08-01.

Conditions:
Cardiovascular phenotype. Identifiers: MedGen CN230736.
Cardiomyopathy (CMYO). Also called: Cardiomyopathies. Identifiers: Orphanet 167848, MedGen C0878544, MONDO:0004994, HP:0001638. Inheritance: Various modes of inheritance.
Catecholaminergic polymorphic ventricular tachycardia 1. Also called: RYR2-Related Catecholaminergic Polymorphic Ventricular Tachycardia; VENTRICULAR TACHYCARDIA, STRESS-INDUCED POLYMORPHIC 1; VENTRICULAR TACHYCARDIA, CATECHOLAMINERGIC POLYMORPHIC, 1, WITH OR WITHOUT ATRIAL DYSFUNCTION AND/OR DILATED CARDIOMYOPATHY. Identifiers: Orphanet 3286, MedGen C1631597, MONDO:0011484, OMIM 604772.
Arrhythmogenic right ventricular dysplasia 2. Identifiers: MedGen C1832931.
Catecholaminergic polymorphic ventricular tachycardia (CVPT). Also called: Catecholamine-induced polymorphic ventricular tachycardia. Identifiers: Orphanet 3286, MedGen C5574922, MONDO:0017990.

Allele frequency attached by ClinVar (database versions not stated): ExAC 0.00117; 1000 Genomes Project 30x 0.00406; ESP Exome Variant Server 0.00264; gnomAD 0.00312 and 0.00333; TOPMed 0.00363; 1000 Genomes Project 0.00459.
gnomAD v4.1: 1,126 of 1,612,242 alleles (0.07%); highest among the groups gnomAD compares: African/African-American, 1.1%; 8 homozygotes.

Submissions (19):

CeGaT Center for Human Genetics Tuebingen
Classification: Likely benign. Last evaluated: 2026-08-01. Review status: criteria provided, single submitter. Criteria: CeGaT Center For Human Genetics Tuebingen Variant Classification Criteria Version 2. Collection method: clinical testing. Allele origin: germline. Affected: yes. Observed: 6 variant alleles.
Comment: RYR2: BP4, BP7, BS1

Labcorp Genetics (formerly Invitae), Labcorp
Classification: Benign for Catecholaminergic polymorphic ventricular tachycardia 1. Last evaluated: 2026-02-03. Review status: criteria provided, single submitter. Criteria: Invitae Variant Classification Sherloc (09022015). Collection method: clinical testing. Allele origin: germline.

Mayo Clinic Laboratories, Mayo Clinic
Classification: Benign. Last evaluated: 2025-12-03. Review status: criteria provided, single submitter. Criteria: ACMG Guidelines, 2015. Collection method: clinical testing. Allele origin: germline. Observed: 4 variant alleles.
Comment: BS1, BS2, BP4, BP7

Molecular Diagnostic Laboratory for Inherited Cardiovascular Disease, Montreal Heart Institute
Classification: Benign. Last evaluated: 2025-04-09. Review status: criteria provided, single submitter. Criteria: ACMG Guidelines, 2015. Collection method: clinical testing. Allele origin: germline. Affected: no.

ARUP Laboratories, Molecular Genetics and Genomics, ARUP Laboratories
Classification: Benign. Last evaluated: 2024-11-12. Review status: criteria provided, single submitter. Criteria: ARUP Molecular Germline Variant Investigation Process 2024. Collection method: clinical testing. Allele origin: germline.

Blueprint Genetics
Classification: Likely benign. Last evaluated: 2024-09-30. Review status: criteria provided, single submitter. Criteria: ACMG Guidelines, 2015. Collection method: clinical testing. Allele origin: germline.

All of Us Research Program, National Institutes of Health
Classification: Benign for Catecholaminergic polymorphic ventricular tachycardia. Last evaluated: 2024-02-05. Review status: criteria provided, single submitter. Criteria: ACMG Guidelines, 2015. Collection method: clinical testing. Allele origin: germline. Inheritance: Autosomal dominant inheritance. Observed: 207 variant alleles, 207 heterozygotes.
Comment: This study involves interpretation of variants in research participants for the purpose of population health screening. Participant phenotype was not available at the time of variant classification. Additional details can be found in publication PMID: 35346344, PMCID: PMC8962531

Women's Health and Genetics/Laboratory Corporation of America, LabCorp
Classification: Benign. Last evaluated: 2019-09-14. Review status: criteria provided, single submitter. Criteria: LabCorp Variant Classification Summary - May 2015. Collection method: clinical testing. Allele origin: germline.

Color Diagnostics, LLC DBA Color Health
Classification: Benign for Cardiomyopathy. Last evaluated: 2018-07-15. Review status: criteria provided, single submitter. Criteria: ACMG Guidelines, 2015. Collection method: clinical testing. Allele origin: germline.

Illumina Laboratory Services, Illumina
Classification: Likely benign for Catecholaminergic polymorphic ventricular tachycardia 1. Last evaluated: 2018-01-13. Review status: criteria provided, single submitter. Criteria: ICSL Variant Classification Criteria 13 December 2019. Collection method: clinical testing. Allele origin: germline.
Comment: This variant was observed in the ICSL laboratory as part of a predisposition screen in an ostensibly healthy population. It had not been previously curated by ICSL or reported in the Human Gene Mutation Database (HGMD: prior to June 1st, 2018), and was therefore a candidate for classification through an automated scoring system. Utilizing variant allele frequency, disease prevalence and penetrance estimates, and inheritance mode, an automated score was calculated to assess if this variant is too frequent to cause the disease. Based on the score and internal cut-off values, a variant classified as likely benign is not then subjected to further curation. The score for this variant resulted in a classification of likely benign for this disease.

Illumina Laboratory Services, Illumina
Classification: Benign for Catecholaminergic polymorphic ventricular tachycardia 1. Last evaluated: 2018-01-13. Review status: criteria provided, single submitter. Criteria: ICSL Variant Classification Criteria 13 December 2019. Collection method: clinical testing. Allele origin: germline.
Comment: This variant was observed in the ICSL laboratory as part of a predisposition screen in an ostensibly healthy population. It had not been previously curated by ICSL or reported in the Human Gene Mutation Database (HGMD: prior to June 1st, 2018), and was therefore a candidate for classification through an automated scoring system. Utilizing variant allele frequency, disease prevalence and penetrance estimates, and inheritance mode, an automated score was calculated to assess if this variant is too frequent to cause the disease. Based on the score and internal cut-off values, a variant classified as benign is not then subjected to further curation. The score for this variant resulted in a classification of benign for this disease.

Ambry Genetics
Classification: Benign for Cardiovascular phenotype. Last evaluated: 2016-05-17. Review status: criteria provided, single submitter. Criteria: Ambry Variant Classification Scheme 2023. Collection method: clinical testing. Allele origin: germline.

Eurofins Ntd Llc (ga)
Classification: Benign. Last evaluated: 2015-11-23. Review status: criteria provided, single submitter. Criteria: EGL Classification Definitions 2015. Collection method: clinical testing. Allele origin: germline. Observed: 1 variant allele, 1 heterozygote.

GeneDx
Classification: Benign. Last evaluated: 2013-04-18. Review status: criteria provided, single submitter. Criteria: GeneDx Variant Classification (06012015). Collection method: clinical testing. Allele origin: germline. Affected: yes.
Comment: This variant is considered likely benign or benign based on one or more of the following criteria: it is a conservative change, it occurs at a poorly conserved position in the protein, it is predicted to be benign by multiple in silico algorithms, and/or has population frequency not consistent with disease.

Laboratory for Molecular Medicine, Mass General Brigham Personalized Medicine
Classification: Benign. Last evaluated: 2012-02-09. Review status: criteria provided, single submitter. Criteria: LMM Criteria. Collection method: clinical testing. Allele origin: germline. Observed: 7 variant alleles.
Comment: 23/3452 AA chrom (0.6%) NHLBI/ESP

Breakthrough Genomics
Classification: Likely benign. Review status: criteria provided, single submitter. Criteria: ACMG Guidelines, 2015. Collection method: not provided. Allele origin: germline. Inheritance: Autosomal dominant inheritance. Affected: yes.

Clinical Genetics DNA and cytogenetics Diagnostics Lab, Erasmus MC, Erasmus Medical Center
Classification: Benign. Review status: no assertion criteria provided. Collection method: clinical testing. Allele origin: germline. Affected: yes. Study: VKGL Data-share Consensus. Not counted in ClinVar's aggregate classification.

Clinical Genetics, Academic Medical Center
Classification: Benign. Review status: no assertion criteria provided. Collection method: clinical testing. Allele origin: germline. Affected: yes. Study: VKGL Data-share Consensus. Not counted in ClinVar's aggregate classification.

Genome Diagnostics Laboratory, University Medical Center Utrecht
Classification: Benign. Review status: no assertion criteria provided. Collection method: clinical testing. Allele origin: germline. Affected: yes. Study: VKGL Data-share Consensus. Not counted in ClinVar's aggregate classification.

NM_001035.3(RYR2):c.13740G>A (p.Thr4580=)

Gene: RYR2 (ryanodine receptor 2; plus strand). Cytogenetic location: 1q43.
Variant type: single nucleotide variant.
Coding change: c.13740G>A on transcript NM_001035.3 (MANE Select); coding-DNA position 13740, G replaced by A.
Protein change: p.Thr4580=; no amino-acid change (threonine 4580 retained).
Molecular consequence: synonymous variant.
Genome position (GRCh38, 1-based): chr1:237,792,281, G>A. VCF-style: chr1-237792281-G-A. GRCh37 (hg19) VCF-style: chr1-237955581-G-A.
Other names: p.T4580T:ACG>ACA; p.Thr4580=.
Identifiers: ClinVar variation 43730 (VCV000043730.65), dbSNP rs115854664, ClinGen allele CA008040.